The following is an entry in ClinVar:

ClinVar aggregate classification (germline): Uncertain significance (1 of 4 stars; one submission).

Conditions:
Developmental and epileptic encephalopathy, 37 (DEE37). Also called: Epileptic encephalopathy, early infantile, 37. Identifiers: MedGen C4310770, MONDO:0014859, OMIM 616981.

Allele frequency attached by ClinVar (database versions not stated): TOPMed 0.00002.
gnomAD v4.1: 13 of 1,612,342 alleles (0.00081%); highest among the groups gnomAD compares: Admixed American, 0.022%; no homozygotes.

Submission:

Labcorp Genetics (formerly Invitae), Labcorp
Classification: Uncertain significance for Developmental and epileptic encephalopathy, 37. Last evaluated: 2024-11-19. Review status: criteria provided, single submitter. Criteria: Invitae Variant Classification Sherloc (09022015). Collection method: clinical testing. Allele origin: germline.
Comment: This sequence change replaces threonine, which is neutral and polar, with isoleucine, which is neutral and non-polar, at codon 154 of the FRRS1L protein (p.Thr154Ile). This variant is present in population databases (rs756282891, gnomAD 0.04%). This variant has not been reported in the literature in individuals affected with FRRS1L-related conditions. ClinVar contains an entry for this variant (Variation ID: 570281). An algorithm developed to predict the effect of missense changes on protein structure and function (PolyPhen-2) suggests that this variant¬†is likely to be tolerated. In summary, the available evidence is currently insufficient to determine the role of this variant in disease. Therefore, it has been classified as a Variant of Uncertain Significance.

NM_014334.4(FRRS1L):c.308C>T (p.Thr103Ile)

Gene: FRRS1L (ferric chelate reductase 1 like; minus strand). Cytogenetic location: 9q31.3.
Variant type: single nucleotide variant.
Coding change: c.308C>T on transcript NM_014334.4 (MANE Select); coding-DNA position 308, C replaced by T.
Protein change: p.Thr103Ile; replaces threonine 103 with isoleucine.
Molecular consequence: missense variant.
Genome position (GRCh38, 1-based): chr9:109,149,651, G>A on the plus strand (C>T on the coding strand, the complement: FRRS1L is on the minus strand). VCF-style: chr9-109149651-G-A. GRCh37 (hg19) VCF-style: chr9-111911931-G-A.
Other names: short protein forms T103I.
Identifiers: ClinVar variation 570281 (VCV000570281.6), dbSNP rs756282891, ClinGen allele CA5177463.